The following is an entry in ClinVar:

ClinVar aggregate classification (germline): Uncertain significance (1 of 4 stars; one submission).

Conditions:
T-cell immunodeficiency, congenital alopecia, and nail dystrophy. Also called: Congenital alopecia and nail dystrophy associated with severe functional T-cell immunodeficiency; Pignata Guarino syndrome. Identifiers: Orphanet 169095, MedGen C1866426, MONDO:0011132, OMIM 601705.

Submission:

Labcorp Genetics (formerly Invitae), Labcorp
Classification: Uncertain significance for T-cell immunodeficiency, congenital alopecia, and nail dystrophy. Last evaluated: 2025-01-01. Review status: criteria provided, single submitter. Criteria: Invitae Variant Classification Sherloc (09022015). Collection method: clinical testing. Allele origin: germline.
Comment: This sequence change replaces glutamine, which is neutral and polar, with glutamic acid, which is acidic and polar, at codon 489 of the FOXN1 protein (p.Gln489Glu). This variant is not present in population databases (gnomAD no frequency). This variant has not been reported in the literature in individuals affected with FOXN1-related conditions. Invitae Evidence Modeling of protein sequence and biophysical properties (such as structural, functional, and spatial information, amino acid conservation, physicochemical variation, residue mobility, and thermodynamic stability) indicates that this missense variant is not expected to disrupt FOXN1 protein function with a negative predictive value of 80%. In summary, the available evidence is currently insufficient to determine the role of this variant in disease. Therefore, it has been classified as a Variant of Uncertain Significance.

NM_001369369.1(FOXN1):c.1465C>G (p.Gln489Glu)

Gene: FOXN1 (forkhead box N1; plus strand). Cytogenetic location: 17q11.2.
Variant type: single nucleotide variant.
Coding change: c.1465C>G on transcript NM_001369369.1 (MANE Select); coding-DNA position 1465, C replaced by G.
Protein change: p.Gln489Glu; replaces glutamine 489 with glutamic acid.
Molecular consequence: missense variant.
Genome position (GRCh38, 1-based): chr17:28,535,036, C>G. VCF-style: chr17-28535036-C-G. GRCh37 (hg19) VCF-style: chr17-26862054-C-G.
Other names: c.1465C>G, p.Gln489Glu (NM_003593.3); short protein forms Q489E.
Identifiers: ClinVar variation 3665855 (VCV003665855.2).